The following is an entry in ClinVar:

ClinVar aggregate classification (germline): Benign (1 of 4 stars; one submission).

Conditions:
Hereditary diffuse gastric adenocarcinoma (HDGC). Also called: DIFFUSE GASTRIC AND LOBULAR BREAST CANCER SYNDROME. Identifiers: Orphanet 26106, MedGen C1708349, MONDO:0007648, OMIM 137215.

Submission:

Myriad Genetics, Inc.
Classification: Benign for Hereditary diffuse gastric adenocarcinoma. Last evaluated: 2024-09-12. Review status: criteria provided, single submitter. Criteria: Myriad Autosomal Dominant, Autosomal Recessive and X-Linked Classification Criteria (2023). Collection method: clinical testing. Allele origin: unknown.
Comment: This variant is considered benign. This variant is a silent/synonymous amino acid change and it is not expected to impact splicing.

NM_004360.5(CDH1):c.333C>A (p.Ser111=)

Gene: CDH1 (cadherin 1; plus strand). Cytogenetic location: 16q22.1.
Variant type: single nucleotide variant.
Coding change: c.333C>A on transcript NM_004360.5 (MANE Select); coding-DNA position 333, C replaced by A.
Protein change: p.Ser111=; no amino-acid change (serine 111 retained).
Molecular consequence: synonymous variant. On other transcripts: 5 prime UTR variant (2).
Genome position (GRCh38, 1-based): chr16:68,801,839, C>A. VCF-style: chr16-68801839-C-A. GRCh37 (hg19) VCF-style: chr16-68835742-C-A.
Other names: c.333C>A, p.Ser111= (NM_001317184.2); c.-1283C>A (NM_001317185.2); c.-1487C>A (NM_001317186.2).
Identifiers: ClinVar variation 3378839 (VCV003378839.1).
Genomic context (GRCh38, chr16:68,801,839, plus strand): 5'-TCATAACCCACAGATCCATTTCTTGGTCTACGCCTGGGACTCCACCTACAGAAAGTTTTC[C>A]ACCAAAGTCACGCTGAATACAGTGGGGCACCACCACCGCCCCCCGCCCCATCAGGTATGT-3'
Protein context (NP_004351.1, residues 101-121): YAWDSTYRKF[Ser111=]TKVTLNTVGH